The following is an entry in ClinVar:

NM_001369.3(DNAH5):c.5866dup (p.Thr1956fs)

Gene: DNAH5 (dynein axonemal heavy chain 5; minus strand). Cytogenetic location: 5p15.2.
Variant type: Duplication.
Coding change: c.5866dup on transcript NM_001369.3 (MANE Select); coding-DNA position 5866, one base duplicated (A; older notation c.5866dupA).
Protein change: p.Thr1956fs; shifts the reading frame from threonine 1956.
Molecular consequence: frameshift variant.
Genome position (GRCh38, 1-based): chr5:13,839,372, T duplicated on the plus strand (A on the coding strand, the reverse complement: DNAH5 is on the minus strand); the first of 2 consecutive T bases (chr5:13,839,372-13,839,373); duplicating either gives the same sequence. VCF-style (leftmost placement, unchanged base first): chr5-13839371-G-GT. GRCh37 (hg19) VCF-style: chr5-13839480-G-GT.
Other names: short protein forms T1956fs.
Identifiers: ClinVar variation 2836653 (VCV002836653.3), dbSNP rs2546902630, ClinGen allele CA2739274587.

ClinVar aggregate classification (germline): Pathogenic (1 of 4 stars; one submission).

Conditions:
Primary ciliary dyskinesia. Also called: Ciliary dyskinesia. Identifiers: Orphanet 244, MedGen C0008780, MONDO:0016575, HP:0012265.

Submission:

Labcorp Genetics (formerly Invitae), Labcorp
Classification: Pathogenic for Primary ciliary dyskinesia. Last evaluated: 2023-02-13. Review status: criteria provided, single submitter. Criteria: Invitae Variant Classification Sherloc (09022015). Collection method: clinical testing. Allele origin: germline.
Comment: For these reasons, this variant has been classified as Pathogenic. This variant has not been reported in the literature in individuals affected with DNAH5-related conditions. This variant is not present in population databases (gnomAD no frequency). This sequence change creates a premature translational stop signal (p.Thr1956Asnfs*36) in the DNAH5 gene. It is expected to result in an absent or disrupted protein product. Loss-of-function variants in DNAH5 are known to be pathogenic (PMID: 11788826, 16627867).

Literature cited by the submitters: PubMed 11788826; PubMed 16627867.